The following is an entry in ClinVar:

ClinVar aggregate classification (germline): Uncertain significance (1 of 4 stars; one submission).

Allele frequency attached by ClinVar (database versions not stated): ExAC 0.00001; gnomAD exomes below 0.00001.
gnomAD v4.1: 2 of 1,614,202 alleles (0.00012%); highest among the groups gnomAD compares: Admixed American, 0.0033%; no homozygotes.

Submission:

Labcorp Genetics (formerly Invitae), Labcorp
Classification: Uncertain significance. Last evaluated: 2022-04-29. Review status: criteria provided, single submitter. Criteria: Invitae Variant Classification Sherloc (09022015). Collection method: clinical testing. Allele origin: germline.
Comment: This variant has not been reported in the literature in individuals affected with HMCN1-related conditions. This variant is present in population databases (rs763323616, gnomAD 0.006%). This sequence change replaces leucine, which is neutral and non-polar, with proline, which is neutral and non-polar, at codon 3725 of the HMCN1 protein (p.Leu3725Pro). In summary, the available evidence is currently insufficient to determine the role of this variant in disease. Therefore, it has been classified as a Variant of Uncertain Significance. Algorithms developed to predict the effect of missense changes on protein structure and function are either unavailable or do not agree on the potential impact of this missense change (SIFT: "Tolerated"; PolyPhen-2: "Possibly Damaging"; Align-GVGD: "Class C0").

NM_031935.3(HMCN1):c.11174T>C (p.Leu3725Pro)

Gene: HMCN1 (hemicentin 1; plus strand). Cytogenetic location: 1q31.1.
Variant type: single nucleotide variant.
Coding change: c.11174T>C on transcript NM_031935.3 (MANE Select); coding-DNA position 11174, T replaced by C.
Protein change: p.Leu3725Pro; replaces leucine 3725 with proline.
Molecular consequence: missense variant.
Genome position (GRCh38, 1-based): chr1:186,114,021, T>C. VCF-style: chr1-186114021-T-C. GRCh37 (hg19) VCF-style: chr1-186083153-T-C.
Other names: short protein forms L3725P.
Identifiers: ClinVar variation 1909254 (VCV001909254.5), dbSNP rs763323616, ClinGen allele CA1293957.